The following is an entry in ClinVar:

NM_001844.5(COL2A1):c.4462T>G (p.Ter1488Glu)

Gene: COL2A1 (collagen type II alpha 1 chain; minus strand). Cytogenetic location: 12q13.11.
Variant type: single nucleotide variant.
Coding change: c.4462T>G on transcript NM_001844.5 (MANE Select); coding-DNA position 4462, T replaced by G.
Protein change: p.Ter1488Glu.
Molecular consequence: stop lost.
Genome position (GRCh38, 1-based): chr12:47,973,409, A>C on the plus strand (T>G on the coding strand, the complement: COL2A1 is on the minus strand). VCF-style: chr12-47973409-A-C. GRCh37 (hg19) VCF-style: chr12-48367192-A-C.
Other names: c.4255T>G, p.Ter1419Glu (NM_033150.3).
Identifiers: ClinVar variation 2739355 (VCV002739355.3), dbSNP rs2540090981, ClinGen allele CA384533065.

ClinVar aggregate classification (germline): Uncertain significance (1 of 4 stars; one submission).

Submission:

Labcorp Genetics (formerly Invitae), Labcorp
Classification: Uncertain significance. Last evaluated: 2024-02-25. Review status: criteria provided, single submitter. Criteria: Invitae Variant Classification Sherloc (09022015). Collection method: clinical testing. Allele origin: germline.
Comment: This sequence change disrupts the translational stop signal of the COL2A1 mRNA. It is expected to extend the length of the COL2A1 protein by 34 additional amino acid residues. This variant is not present in population databases (gnomAD no frequency). This variant has not been reported in the literature in individuals affected with COL2A1-related conditions. This variant results in an extension of the COL2A1 protein. Other variant(s) that result in a similarly extended protein product (p.*1488Glnext*34) have been observed in individuals with COL2A1-related disease (PMID: 32071555; Invitae). This suggests that these extensions may be clinically significant. In summary, the available evidence is currently insufficient to determine the role of this variant in disease. Therefore, it has been classified as a Variant of Uncertain Significance.

Literature cited by the submitters: PubMed 32071555.